The following is an entry in ClinVar:

NM_000059.4(BRCA2):c.1317T>C (p.Phe439=)

Gene: BRCA2 (BRCA2 DNA repair associated; plus strand). Cytogenetic location: 13q13.1.
Variant type: single nucleotide variant.
Coding change: c.1317T>C on transcript NM_000059.4 (MANE Select); coding-DNA position 1317, T replaced by C.
Protein change: p.Phe439=; no amino-acid change (phenylalanine 439 retained).
Molecular consequence: synonymous variant. On other transcripts: non-coding transcript variant (1), intron variant (1).
Genome position (GRCh38, 1-based): chr13:32,332,795, T>C. VCF-style: chr13-32332795-T-C. GRCh37 (hg19) VCF-style: chr13-32906932-T-C.
Other names: c.1317T>C, p.Phe439= (NM_001406719.1, NM_001406720.1, NM_001406721.1); c.424+1765T>C (NM_001406722.1).
Identifiers: ClinVar variation 2801590 (VCV002801590.5), dbSNP rs1555281834, ClinGen allele CA483436712.

ClinVar aggregate classification (germline): Likely benign. Review status: criteria provided, multiple submitters, no conflicts (2 of 4 stars). 3 submissions from 3 submitters: Likely benign (3). Last evaluated 2025-03-14.

Conditions:
Hereditary cancer-predisposing syndrome. Also called: Hereditary neoplastic syndrome; Neoplastic Syndromes, Hereditary; Tumor predisposition; Hereditary Cancer Syndrome. Identifiers: Orphanet 140162, MedGen C0027672, MeSH D009386, MONDO:0015356.
Hereditary breast ovarian cancer syndrome. Also called: Hereditary breast and/or ovarian cancer syndrome; BRCA1- and BRCA2-Associated Hereditary Breast and Ovarian Cancer; Hereditary breast and ovarian cancer syndrome; Hereditary breast and ovarian cancer syndrome (HBOC); Hereditary breast and ovarian cancer; Breast and ovarian cancer. Identifiers: Orphanet 145, MedGen C0677776, MeSH D061325, MONDO:0003582. Disease mechanism: loss of function.
Breast-ovarian cancer, familial, susceptibility to, 2 (BROVCA2). Also called: BRCA2 Hereditary Breast and Ovarian Cancer. Identifiers: Orphanet 145, MedGen C2675520, MONDO:0012933, OMIM 612555. Disease mechanism: loss of function.

Allele frequency attached by ClinVar (database versions not stated): gnomAD exomes below 0.00001.
gnomAD v4.1: 1 of 1,608,072 alleles (0.000062%); highest among the groups gnomAD compares: South Asian, 0.0011%; no homozygotes.

Submissions (3):

Ambry Genetics
Classification: Likely benign for Hereditary cancer-predisposing syndrome. Last evaluated: 2025-03-14. Review status: criteria provided, single submitter. Criteria: Ambry Variant Classification Scheme 2023. Collection method: clinical testing. Allele origin: germline.

Labcorp Genetics (formerly Invitae), Labcorp
Classification: Likely benign for Hereditary breast ovarian cancer syndrome. Last evaluated: 2023-08-02. Review status: criteria provided, single submitter. Criteria: Invitae Variant Classification Sherloc (09022015). Collection method: clinical testing. Allele origin: germline.

All of Us Research Program, National Institutes of Health
Classification: Likely benign for Breast-ovarian cancer, familial, susceptibility to, 2. Last evaluated: 2023-02-15. Review status: criteria provided, single submitter. Criteria: ACMG Guidelines, 2015. Collection method: clinical testing. Allele origin: germline. Inheritance: Autosomal dominant inheritance. Observed: 1 variant allele, 1 heterozygote.
Comment: This study involves interpretation of variants in research participants for the purpose of population health screening. Participant phenotype was not available at the time of variant classification. Additional details can be found in publication PMID: 35346344, PMCID: PMC8962531